The following is an entry in ClinVar:

ClinVar aggregate classification (germline): Uncertain significance (0 of 4 stars; one submission).

Conditions:
PLXNA1-related disorder. Also called: PLXNA1-related condition.

Allele frequency attached by ClinVar (database versions not stated): gnomAD 0.00001; 1000 Genomes Project 0.00020; 1000 Genomes Project 30x 0.00031.
gnomAD v4.1: 36 of 1,610,146 alleles (0.0022%); highest among the groups gnomAD compares: Non-Finnish European, 0.0029%; no homozygotes.

Submission:

PreventionGenetics, part of Exact Sciences
Classification: Uncertain significance for PLXNA1-related condition. Last evaluated: 2024-01-26. Review status: no assertion criteria provided. Collection method: clinical testing. Allele origin: germline.
Comment: The PLXNA1 c.3687G>T variant is not predicted to result in an amino acid change (p.=). This variant may enhance a cryptic splice acceptor site according to available splicing in silico algorithms. To our knowledge, this variant has not been reported in the literature. This variant is reported in 0.0041% of alleles in individuals of African descent in gnomAD. At this time, the clinical significance of this variant is uncertain due to the absence of conclusive functional and genetic evidence.

NM_032242.4(PLXNA1):c.3687G>T (p.Ser1229=)

Gene: PLXNA1 (plexin A1; plus strand). Cytogenetic location: 3q21.3.
Variant type: single nucleotide variant.
Coding change: c.3687G>T on transcript NM_032242.4 (MANE Select); coding-DNA position 3687, G replaced by T.
Protein change: p.Ser1229=; no amino-acid change (serine 1229 retained).
Molecular consequence: synonymous variant.
Genome position (GRCh38, 1-based): chr3:127,018,320, G>T. VCF-style: chr3-127018320-G-T. GRCh37 (hg19) VCF-style: chr3-126737163-G-T.
Identifiers: ClinVar variation 2636688 (VCV002636688.3), dbSNP rs556545622, ClinGen allele CA2594123.
Genomic context (GRCh38, chr3:127,018,320, plus strand): 5'-GGGAAGCTCCTGAGTGGCCTCCACCCACTGGCAGGTGCGGGCAGGTGGCTTCGAGTTCTC[G>T]CCAGGGACACTGCAGGTGTACTCGGACAGCCTGCTGACGCTGCCTGCCATTGTGGGCATT-3'
Protein context (NP_115618.3, residues 1219-1239): VTVRAGGFEF[Ser1229=]PGTLQVYSDS